The following is an entry in ClinVar:

ClinVar aggregate classification (germline): Uncertain significance (1 of 4 stars; one submission).

Allele frequency attached by ClinVar (database versions not stated): ExAC 0.00001; 1000 Genomes Project 30x 0.00016; 1000 Genomes Project 0.00020.
gnomAD v4.1: 8 of 1,613,788 alleles (0.0005%); highest among the groups gnomAD compares: East Asian, 0.018%; no homozygotes.

Submission:

Labcorp Genetics (formerly Invitae), Labcorp
Classification: Uncertain significance. Last evaluated: 2023-08-11. Review status: criteria provided, single submitter. Criteria: Invitae Variant Classification Sherloc (09022015). Collection method: clinical testing. Allele origin: germline.
Comment: In summary, the available evidence is currently insufficient to determine the role of this variant in disease. Therefore, it has been classified as a Variant of Uncertain Significance. An algorithm developed to predict the effect of missense changes on protein structure and function (PolyPhen-2) suggests that this variant is likely to be disruptive. This variant has not been reported in the literature in individuals affected with ITGAM-related conditions. This variant is present in population databases (rs181883052, gnomAD 0.01%). This sequence change replaces histidine, which is basic and polar, with proline, which is neutral and non-polar, at codon 1061 of the ITGAM protein (p.His1061Pro).

NM_000632.4(ITGAM):c.3182A>C (p.His1061Pro)

Gene: ITGAM (integrin subunit alpha M; plus strand). Cytogenetic location: 16p11.2.
Variant type: single nucleotide variant.
Coding change: c.3182A>C on transcript NM_000632.4 (MANE Select); coding-DNA position 3182, A replaced by C.
Protein change: p.His1061Pro; replaces histidine 1061 with proline.
Molecular consequence: missense variant.
Genome position (GRCh38, 1-based): chr16:31,330,511, A>C. VCF-style: chr16-31330511-A-C. GRCh37 (hg19) VCF-style: chr16-31341832-A-C.
Other names: c.3185A>C, p.His1062Pro (NM_001145808.2); short protein forms H1061P, H1062P.
Identifiers: ClinVar variation 2803659 (VCV002803659.3), dbSNP rs181883052, ClinGen allele CA8026115.